The following is an entry in ClinVar:

NM_000051.4(ATM):c.1494G>C (p.Glu498Asp)

Gene: ATM (ATM serine/threonine kinase; plus strand). Cytogenetic location: 11q22.3.
Variant type: single nucleotide variant.
Coding change: c.1494G>C on transcript NM_000051.4 (MANE Select); coding-DNA position 1494, G replaced by C.
Protein change: p.Glu498Asp; replaces glutamic acid 498 with aspartic acid.
Molecular consequence: missense variant.
Genome position (GRCh38, 1-based): chr11:108,250,959, G>C. VCF-style: chr11-108250959-G-C. GRCh37 (hg19) VCF-style: chr11-108121686-G-C.
Other names: c.1494G>C, p.Glu498Asp (NM_001351834.2); short protein forms E498D.
Identifiers: ClinVar variation 1004128 (VCV001004128.8), dbSNP rs763108858, ClinGen allele CA382534216.

ClinVar aggregate classification (germline): Uncertain significance (1 of 4 stars; one submission).

Conditions:
Ataxia-telangiectasia syndrome (AT). Also called: Ataxia-telangiectasia, complementation group D; AT, COMPLEMENTATION GROUP C; ATAXIA-TELANGIECTASIA, COMPLEMENTATION GROUP A; ATAXIA-TELANGIECTASIA, FRESNO VARIANT; Ataxia-telangiectasia; Cerebello-oculocutaneous telangiectasia. Identifiers: Orphanet 100, MedGen C0004135, MONDO:0008840, OMIM 208900.

Submission:

Labcorp Genetics (formerly Invitae), Labcorp
Classification: Uncertain significance for Ataxia-telangiectasia syndrome. Last evaluated: 2021-05-18. Review status: criteria provided, single submitter. Criteria: Invitae Variant Classification Sherloc (09022015). Collection method: clinical testing. Allele origin: germline.
Comment: In summary, the available evidence is currently insufficient to determine the role of this variant in disease. Therefore, it has been classified as a Variant of Uncertain Significance. Advanced modeling of protein sequence and biophysical properties (such as structural, functional, and spatial information, amino acid conservation, physicochemical variation, residue mobility, and thermodynamic stability) performed at Invitae indicates that this missense variant is not expected to disrupt ATM protein function. This variant has not been reported in the literature in individuals with ATM-related conditions. This variant is not present in population databases (ExAC no frequency). This sequence change replaces glutamic acid with aspartic acid at codon 498 of the ATM protein (p.Glu498Asp). The glutamic acid residue is weakly conserved and there is a small physicochemical difference between glutamic acid and aspartic acid.